The following is an entry in ClinVar:

NM_000064.4(C3):c.2334G>C (p.Leu778Phe)

Gene: C3 (complement C3; minus strand). Cytogenetic location: 19p13.3.
Variant type: single nucleotide variant.
Coding change: c.2334G>C on transcript NM_000064.4 (MANE Select); coding-DNA position 2334, G replaced by C.
Protein change: p.Leu778Phe; replaces leucine 778 with phenylalanine.
Molecular consequence: missense variant.
Genome position (GRCh38, 1-based): chr19:6,702,491, C>G on the plus strand (G>C on the coding strand, the complement: C3 is on the minus strand). VCF-style: chr19-6702491-C-G. GRCh37 (hg19) VCF-style: chr19-6702502-C-G.
Other names: short protein forms L778F.
Identifiers: ClinVar variation 4809470 (VCV004809470.1).

ClinVar aggregate classification (germline): Uncertain significance (1 of 4 stars; one submission).

gnomAD v4.1: 7 of 1,613,634 alleles (0.00043%); highest among the groups gnomAD compares: Non-Finnish European, 0.00059%; no homozygotes.

Submission:

Labcorp Genetics (formerly Invitae), Labcorp
Classification: Uncertain significance. Last evaluated: 2026-01-08. Review status: criteria provided, single submitter. Criteria: Invitae Variant Classification Sherloc (09022015). Collection method: clinical testing. Allele origin: germline.
Comment: This sequence change replaces leucine, which is neutral and non-polar, with phenylalanine, which is neutral and non-polar, at codon 778 of the C3 protein (p.Leu778Phe). This variant is present in population databases (no rsID available, gnomAD 0.007%). This variant has not been reported in the literature in individuals affected with C3-related conditions. An algorithm developed to predict the effect of missense changes on protein structure and function outputs the following: PolyPhen-2: "Benign". The phenylalanine amino acid residue is found in multiple mammalian species, which suggests that this missense change does not adversely affect protein function. In summary, the available evidence is currently insufficient to determine the role of this variant in disease. Therefore, it has been classified as a Variant of Uncertain Significance.